The following is an entry in ClinVar:

ClinVar aggregate classification (germline): Likely benign. Review status: criteria provided, single submitter (1 of 4 stars). 2 submissions from 2 submitters: Likely benign (1). 1 of the submissions does not count toward it. Last evaluated 2025-03-10.

Conditions:
Congenital myasthenic syndrome 8. Also called: MYASTHENIC SYNDROME, CONGENITAL, DUE TO AGRIN DEFICIENCY; Myasthenic syndrome, congenital, 8, with pre- and postsynaptic defects. Identifiers: Orphanet 590, MedGen C3808739, MONDO:0014052, OMIM 615120.
AGRN-related disorder. Also called: AGRN-related condition.

Allele frequency attached by ClinVar (database versions not stated): 1000 Genomes Project 30x 0.00016.
gnomAD v4.1: 6 of 1,607,530 alleles (0.00037%); highest among the groups gnomAD compares: South Asian, 0.0033%; no homozygotes.

Submissions (2):

Labcorp Genetics (formerly Invitae), Labcorp
Classification: Likely benign for Congenital myasthenic syndrome 8. Last evaluated: 2025-03-10. Review status: criteria provided, single submitter. Criteria: Invitae Variant Classification Sherloc (09022015). Collection method: clinical testing. Allele origin: germline.

PreventionGenetics, part of Exact Sciences
Classification: Likely benign for AGRN-related condition. Last evaluated: 2019-05-24. Review status: no assertion criteria provided. Collection method: clinical testing. Allele origin: germline. Not counted in ClinVar's aggregate classification.
Comment: This variant is classified as likely benign based on ACMG/AMP sequence variant interpretation guidelines (Richards et al. 2015 PMID: 25741868, with internal and published modifications).

NM_198576.4(AGRN):c.1920C>T (p.Gly640=)

Gene: AGRN (agrin; plus strand). Cytogenetic location: 1p36.33.
Variant type: single nucleotide variant.
Coding change: c.1920C>T on transcript NM_198576.4 (MANE Select); coding-DNA position 1920, C replaced by T.
Protein change: p.Gly640=; no amino-acid change (glycine 640 retained).
Molecular consequence: synonymous variant.
Genome position (GRCh38, 1-based): chr1:1,043,944, C>T. VCF-style: chr1-1043944-C-T. GRCh37 (hg19) VCF-style: chr1-979324-C-T.
Other names: c.1920C>T (NM_198576.3); c.1920C>T, p.Gly640= (NM_001305275.2); c.1605C>T, p.Gly535= (NM_001364727.2).
Identifiers: ClinVar variation 1042453 (VCV001042453.11), dbSNP rs763833644, ClinGen allele CA508380.